The following is an entry in ClinVar:

NM_000051.4(ATM):c.1670T>G (p.Met557Arg)

Gene: ATM (ATM serine/threonine kinase; plus strand). Cytogenetic location: 11q22.3.
Variant type: single nucleotide variant.
Coding change: c.1670T>G on transcript NM_000051.4 (MANE Select); coding-DNA position 1670, T replaced by G.
Protein change: p.Met557Arg; replaces methionine 557 with arginine.
Molecular consequence: missense variant.
Genome position (GRCh38, 1-based): chr11:108,251,899, T>G. VCF-style: chr11-108251899-T-G. GRCh37 (hg19) VCF-style: chr11-108122626-T-G.
Other names: c.1670T>G, p.Met557Arg (NM_001351834.2); short protein forms M557R.
Identifiers: ClinVar variation 627834 (VCV000627834.18), dbSNP rs786202770, ClinGen allele CA382535111.
Genomic context (GRCh38, chr11:108,251,899, plus strand): 5'-CTGCAGTATGCTGTTTGACTTTGGCACTGACCACCAGTATAGTTCCAGGAACGGTAAAAA[T>G]GGGAATAGAGCAAAATATGTGTGAAGTAAATAGAAGCTTTTCTTTAAAGGAATCAATAAT-3'
Protein context (NP_000042.3, residues 547-567): TTSIVPGTVK[Met557Arg]GIEQNMCEVN

ClinVar aggregate classification (germline): Uncertain significance. Review status: criteria provided, multiple submitters, no conflicts (2 of 4 stars). 6 submissions from 6 submitters: Uncertain significance (6). Last evaluated 2026-01-08.

Conditions:
Hereditary cancer-predisposing syndrome. Also called: Tumor predisposition; Neoplastic Syndromes, Hereditary; Hereditary Cancer Syndrome; Hereditary neoplastic syndrome. Identifiers: Orphanet 140162, MedGen C0027672, MeSH D009386, MONDO:0015356.
Ataxia-telangiectasia syndrome (AT). Also called: ATAXIA-TELANGIECTASIA, COMPLEMENTATION GROUP A; ATAXIA-TELANGIECTASIA, FRESNO VARIANT; LOUIS-BAR SYNDROME; Ataxia telangiectasia (A-T); Cerebello-oculocutaneous telangiectasia; Immunodeficiency with ataxia telangiectasia. Identifiers: Orphanet 100, MedGen C0004135, MONDO:0008840, OMIM 208900.

Submissions (6):

Labcorp Genetics (formerly Invitae), Labcorp
Classification: Uncertain significance for Ataxia-telangiectasia syndrome. Last evaluated: 2026-01-08. Review status: criteria provided, single submitter. Criteria: Invitae Variant Classification Sherloc (09022015). Collection method: clinical testing. Allele origin: germline.
Comment: This sequence change replaces methionine, which is neutral and non-polar, with arginine, which is basic and polar, at codon 557 of the ATM protein (p.Met557Arg). This variant is not present in population databases (gnomAD no frequency). This variant has not been reported in the literature in individuals affected with ATM-related conditions. ClinVar contains an entry for this variant (Variation ID: 627834). Invitae Evidence Modeling of protein sequence and biophysical properties (such as structural, functional, and spatial information, amino acid conservation, physicochemical variation, residue mobility, and thermodynamic stability) indicates that this missense variant is not expected to disrupt ATM protein function with a negative predictive value of 95%. In summary, the available evidence is currently insufficient to determine the role of this variant in disease. Therefore, it has been classified as a Variant of Uncertain Significance.

Color Diagnostics, LLC DBA Color Health
Classification: Uncertain significance for Hereditary cancer-predisposing syndrome. Last evaluated: 2025-11-04. Review status: criteria provided, single submitter. Criteria: ACMG Guidelines, 2015. Collection method: clinical testing. Allele origin: germline.
Comment: This missense variant replaces methionine with arginine at codon 557 of the ATM protein. Computational prediction suggests that this variant may not impact protein structure and function. To our knowledge, functional studies have not been reported for this variant. This variant has not been reported in individuals affected with ATM-related disorders in the literature. This variant has not been identified in the general population by the Genome Aggregation Database (gnomAD). The available evidence is insufficient to determine the role of this variant in disease conclusively. Therefore, this variant is classified as a Variant of Uncertain Significance.

Ambry Genetics
Classification: Uncertain significance for Hereditary cancer-predisposing syndrome. Last evaluated: 2024-08-19. Review status: criteria provided, single submitter. Criteria: Ambry Variant Classification Scheme 2023. Collection method: clinical testing. Allele origin: germline.
Comment: The p.M557R variant (also known as c.1670T>G), located in coding exon 10 of the ATM gene, results from a T to G substitution at nucleotide position 1670. The methionine at codon 557 is replaced by arginine, an amino acid with similar properties. This amino acid position is poorly conserved in available vertebrate species. In addition, this alteration is predicted to be tolerated by in silico analysis. Based on the available evidence, the clinical significance of this variant remains unclear.

Sema4
Classification: Uncertain significance for Hereditary cancer-predisposing syndrome. Last evaluated: 2022-01-06. Review status: criteria provided, single submitter. Criteria: Sema4 Curation Guidelines. Collection method: curation. Allele origin: germline.
Comment: The ATM c.1670T>G (p.M557R) variant has not been reported in the literature to our knowledge. It was not observed in the large and broad cohorts of the Genome Aggregation Database (PMID: 32461654). This variant has been reported in ClinVar (Variation ID 627834). Functional studies have not been performed, and in silico predictions of the variant's effect on protein function are inconclusive. The evidence is insufficient to meet ACMG/AMP criteria for classifying the variant as benign or pathogenic. Thus, the clinical significance of this variant is currently uncertain.

GeneDx
Classification: Uncertain significance. Last evaluated: 2021-04-29. Review status: criteria provided, single submitter. Criteria: GeneDx Variant Classification Process June 2021. Collection method: clinical testing. Allele origin: germline. Affected: yes.
Comment: Not observed in large population cohorts (Lek 2016); In silico analysis supports that this missense variant does not alter protein structure/function; Has not been previously published as pathogenic or benign to our knowledge

Women's Health and Genetics/Laboratory Corporation of America, LabCorp
Classification: Uncertain significance. Last evaluated: 2020-07-02. Review status: criteria provided, single submitter. Criteria: LabCorp Variant Classification Summary - May 2015. Collection method: clinical testing. Allele origin: germline.
Comment: Variant summary: ATM c.1670T>G (p.Met557Arg) results in a non-conservative amino acid change in the encoded protein sequence. Three of five in-silico tools predict a benign effect of the variant on protein function. The variant was absent in 251318 control chromosomes (gnomAD). The available data on variant occurrences in the general population are insufficient to allow any conclusion about variant significance. To our knowledge, no occurrence of c.1670T>G in individuals affected with Ataxia-Telangiectasia and no experimental evidence demonstrating its impact on protein function have been reported. Two clinical diagnostic laboratories have submitted clinical-significance assessments for this variant to ClinVar after 2014 without evidence for independent evaluation, and both of them classified the variant as uncertain significance. Based on the evidence outlined above, the variant was classified as uncertain significance.